The following is an entry in ClinVar:

NM_000027.4(AGA):c.788del (p.Ile262_Leu263insTer)

Gene: AGA (aspartylglucosaminidase; minus strand). Cytogenetic location: 4q34.3.
Variant type: Deletion.
Coding change: c.788del on transcript NM_000027.4 (MANE Select); coding-DNA position 788, one base deleted (T; older notation c.788delT).
Protein change: p.Ile262_Leu263insTer.
Molecular consequence: nonsense. On other transcripts: non-coding transcript variant (1).
Genome position (GRCh38, 1-based): chr4:177,434,400, A deleted on the plus strand (T on the coding strand, the reverse complement: AGA is on the minus strand); the first of 2 consecutive A bases (chr4:177,434,400-177,434,401); deleting either gives the same sequence. VCF-style (leftmost placement, unchanged base first): chr4-177434399-CA-C. GRCh37 (hg19) VCF-style: chr4-178355553-CA-C.
Other names: c.758del, p.Ile252_Leu253insTer (NM_001171988.2).
Identifiers: ClinVar variation 55954 (VCV000055954.2), dbSNP rs386833435, ClinGen allele CA144034.

ClinVar aggregate classification (germline): Likely pathogenic (0 of 4 stars; one submission).

Conditions:
Aspartylglucosaminuria (AGU). Also called: Aspartylglucos-aminuria; Aspartylglucos-amidase (AGA) deficiency; AGA DEFICIENCY; GLYCOASPARAGINASE; GLYCOSYLASPARAGINASE DEFICIENCY. Identifiers: Orphanet 93, MedGen C0268225, MONDO:0008830, OMIM 208400, HP:0012068.

Submission:

Juha Muilu Group; Institute for Molecular Medicine Finland (FIMM)
Classification: Likely pathogenic for Aspartylglycosaminuria. Review status: no assertion criteria provided. Collection method: not provided. Allele origin: unknown.
Comment: FinDis database variant: This variant was not found or characterized by our laboratory, data were collected from public sources: see reference
ClinVar note: Converted during submission from probable-pathogenic to Likely pathogenic.